The following is an entry in ClinVar:

ClinVar aggregate classification (germline): Uncertain significance. Review status: criteria provided, multiple submitters, no conflicts (2 of 4 stars). 2 submissions from 2 submitters: Uncertain significance (2). Last evaluated 2025-12-14.

Allele frequency attached by ClinVar (database versions not stated): gnomAD 0.00001; ESP Exome Variant Server 0.00008; gnomAD exomes 0.00001; TOPMed 0.00003.
gnomAD v4.1: 8 of 1,586,260 alleles (0.0005%); highest among the groups gnomAD compares: Non-Finnish European, 0.00068%; no homozygotes.

Submissions (2):

Labcorp Genetics (formerly Invitae), Labcorp
Classification: Uncertain significance. Last evaluated: 2025-12-14. Review status: criteria provided, single submitter. Criteria: Invitae Variant Classification Sherloc (09022015). Collection method: clinical testing. Allele origin: germline.
Comment: This sequence change replaces glutamic acid, which is acidic and polar, with lysine, which is basic and polar, at codon 286 of the DHX32 protein (p.Glu286Lys). This variant is not present in population databases (gnomAD no frequency). This variant has not been reported in the literature in individuals affected with DHX32-related conditions. ClinVar contains an entry for this variant (Variation ID: 2526720). An algorithm developed to predict the effect of missense changes on protein structure and function (PolyPhen-2) suggests that this variant is likely to be tolerated. In summary, the available evidence is currently insufficient to determine the role of this variant in disease. Therefore, it has been classified as a Variant of Uncertain Significance.

Ambry Genetics
Classification: Uncertain significance. Last evaluated: 2025-04-10. Review status: criteria provided, single submitter. Criteria: Ambry Variant Classification Scheme 2023. Collection method: clinical testing. Allele origin: germline.

NM_018180.3(DHX32):c.856G>A (p.Glu286Lys)

Gene: DHX32 (DEAH-box helicase 32 (putative); minus strand). Cytogenetic location: 10q26.2.
Variant type: single nucleotide variant.
Coding change: c.856G>A on transcript NM_018180.3 (MANE Select); coding-DNA position 856, G replaced by A.
Protein change: p.Glu286Lys; replaces glutamic acid 286 with lysine.
Molecular consequence: missense variant.
Genome position (GRCh38, 1-based): chr10:125,854,197, C>T on the plus strand (G>A on the coding strand, the complement: DHX32 is on the minus strand). VCF-style: chr10-125854197-C-T. GRCh37 (hg19) VCF-style: chr10-127542766-C-T.
Other names: short protein forms E286K.
Identifiers: ClinVar variation 2526720 (VCV002526720.6), dbSNP rs370623553, ClinGen allele CA215347911.